The following is an entry in ClinVar:

NM_001297.5(CNGB1):c.1006G>A (p.Glu336Lys)

Gene: CNGB1 (cyclic nucleotide gated channel subunit beta 1; minus strand). Cytogenetic location: 16q21.
Variant type: single nucleotide variant.
Coding change: c.1006G>A on transcript NM_001297.5 (MANE Select); coding-DNA position 1006, G replaced by A.
Protein change: p.Glu336Lys; replaces glutamic acid 336 with lysine.
Molecular consequence: missense variant.
Genome position (GRCh38, 1-based): chr16:57,950,409, C>T on the plus strand (G>A on the coding strand, the complement: CNGB1 is on the minus strand). VCF-style: chr16-57950409-C-T. GRCh37 (hg19) VCF-style: chr16-57984313-C-T.
Other names: c.988G>A, p.Glu330Lys (NM_001286130.2); short protein forms E330K, E336K.
Identifiers: ClinVar variation 1486710 (VCV001486710.8), dbSNP rs2149381760, ClinGen allele CA396075466.

ClinVar aggregate classification (germline): Uncertain significance (1 of 4 stars; one submission).

gnomAD v4.1: 1 of 1,614,274 alleles (0.000062%); highest among the groups gnomAD compares: Middle Eastern, 0.016%; no homozygotes.

Submission:

Labcorp Genetics (formerly Invitae), Labcorp
Classification: Uncertain significance. Last evaluated: 2020-11-19. Review status: criteria provided, single submitter. Criteria: Invitae Variant Classification Sherloc (09022015). Collection method: clinical testing. Allele origin: germline.
Comment: In summary, the available evidence is currently insufficient to determine the role of this variant in disease. Therefore, it has been classified as a Variant of Uncertain Significance. Advanced modeling of protein sequence and biophysical properties (such as structural, functional, and spatial information, amino acid conservation, physicochemical variation, residue mobility, and thermodynamic stability) performed at Invitae indicates that this missense variant is not expected to disrupt CNGB1 protein function. This variant has not been reported in the literature in individuals with CNGB1-related conditions. This variant is not present in population databases (ExAC no frequency). This sequence change replaces glutamic acid with lysine at codon 336 of the CNGB1 protein (p.Glu336Lys). The glutamic acid residue is weakly conserved and there is a small physicochemical difference between glutamic acid and lysine.